The following is an entry in ClinVar:

NM_000587.4(C7):c.1341G>A (p.Glu447=)

Gene: C7 (complement C7; plus strand). Cytogenetic location: 5p13.1.
Variant type: single nucleotide variant.
Coding change: c.1341G>A on transcript NM_000587.4 (MANE Select); coding-DNA position 1341, G replaced by A.
Protein change: p.Glu447=; no amino-acid change (glutamic acid 447 retained).
Molecular consequence: synonymous variant.
Genome position (GRCh38, 1-based): chr5:40,958,113, G>A. VCF-style: chr5-40958113-G-A. GRCh37 (hg19) VCF-style: chr5-40958215-G-A.
Identifiers: ClinVar variation 1166124 (VCV001166124.37), dbSNP rs150696042, ClinGen allele CA3249940.

ClinVar aggregate classification (germline): Benign/Likely benign. Review status: criteria provided, multiple submitters, no conflicts (2 of 4 stars). 7 submissions from 7 submitters: Benign (2); Likely benign (3). 2 of the submissions do not count toward it. Last evaluated 2026-04-01.

Conditions:
Complement component 7 deficiency (C7D). Also called: C7 DEFICIENCY. Identifiers: MedGen C1864694, MONDO:0012412, OMIM 610102.

Allele frequency attached by ClinVar (database versions not stated): 1000 Genomes Project 0.00120; 1000 Genomes Project 30x 0.00141; ExAC 0.00169; ESP Exome Variant Server 0.00175; gnomAD exomes 0.00181 and 0.00187; gnomAD 0.00183 and 0.00186; TOPMed 0.00195.

Submissions (7):

CeGaT Center for Human Genetics Tuebingen
Classification: Likely benign. Last evaluated: 2026-04-01. Review status: criteria provided, single submitter. Criteria: CeGaT Center For Human Genetics Tuebingen Variant Classification Criteria Version 2. Collection method: clinical testing. Allele origin: germline. Affected: yes. Observed: 3 variant alleles.
Comment: C7: BP4, BP7

Labcorp Genetics (formerly Invitae), Labcorp
Classification: Benign. Last evaluated: 2026-01-20. Review status: criteria provided, single submitter. Criteria: Invitae Variant Classification Sherloc (09022015). Collection method: clinical testing. Allele origin: germline.

Blueprint Genetics
Classification: Likely benign. Last evaluated: 2024-11-21. Review status: criteria provided, single submitter. Criteria: ACMG Guidelines, 2015. Collection method: clinical testing. Allele origin: germline.

Fulgent Genetics
Classification: Likely benign for Complement component 7 deficiency. Last evaluated: 2022-04-12. Review status: criteria provided, single submitter. Criteria: ACMG Guidelines, 2015. Collection method: clinical testing. Allele origin: unknown.

Breakthrough Genomics
Classification: Benign. Review status: criteria provided, single submitter. Criteria: ACMG Guidelines, 2015. Collection method: not provided. Allele origin: germline. Inheritance: Unknown mechanism. Affected: yes.

Clinical Genetics DNA and cytogenetics Diagnostics Lab, Erasmus MC, Erasmus Medical Center
Classification: Likely benign. Review status: no assertion criteria provided. Collection method: clinical testing. Allele origin: germline. Affected: yes. Study: VKGL Data-share Consensus. Not counted in ClinVar's aggregate classification.

Genome Diagnostics Laboratory, University Medical Center Utrecht
Classification: Likely benign. Review status: no assertion criteria provided. Collection method: clinical testing. Allele origin: germline. Affected: yes. Study: VKGL Data-share Consensus. Not counted in ClinVar's aggregate classification.